The following is an entry in ClinVar:

ClinVar aggregate classification (germline): Uncertain significance (1 of 4 stars; one submission).

gnomAD v4.1: 2 of 1,538,998 alleles (0.00013%); highest among the groups gnomAD compares: Non-Finnish European, 0.00018%; no homozygotes.

Submission:

Dasa
Classification: Uncertain significance. Last evaluated: 2025-08-18. Review status: criteria provided, single submitter. Criteria: DASA Assertion Criteria. Collection method: clinical testing. Allele origin: germline.
Comment: NM_001142864.4(PIEZO1):c.2487+4A>T is a splice-region variant. This variant is rare in population databases. The currently available literature and clinical evidence are not sufficient to establish a definitive association between this variant and the reported condition. Therefore, this variant is classified as a variant of uncertain significance.

NM_001142864.4(PIEZO1):c.2487+4A>T

Genes: PIEZO1 (piezo type mechanosensitive ion channel component 1 (Er blood group); minus strand), HSALR1 (HSP90AB1 associated lncRNA 1; plus strand). Cytogenetic location: 16q24.3.
Variant type: single nucleotide variant.
Coding change: c.2487+4A>T on transcript NM_001142864.4 (MANE Select); 4 bases into the intron after coding-DNA position 2487, A replaced by T.
Molecular consequence: intron variant.
Genome position (GRCh38, 1-based): chr16:88,733,584, T>A on the plus strand (A>T on the coding strand, the complement: PIEZO1 is on the minus strand). VCF-style: chr16-88733584-T-A. GRCh37 (hg19) VCF-style: chr16-88799992-T-A.
Identifiers: ClinVar variation 4885918 (VCV004885918.2).